The following is an entry in ClinVar:

NM_003906.5(MCM3AP):c.245G>A (p.Gly82Glu)

Gene: MCM3AP (minichromosome maintenance complex component 3 associated protein; minus strand). Cytogenetic location: 21q22.3.
Variant type: single nucleotide variant.
Coding change: c.245G>A on transcript NM_003906.5 (MANE Select); coding-DNA position 245, G replaced by A.
Protein change: p.Gly82Glu; replaces glycine 82 with glutamic acid.
Molecular consequence: missense variant.
Genome position (GRCh38, 1-based): chr21:46,285,042, C>T on the plus strand (G>A on the coding strand, the complement: MCM3AP is on the minus strand). VCF-style: chr21-46285042-C-T. GRCh37 (hg19) VCF-style: chr21-47704956-C-T.
Other names: short protein forms G82E.
Identifiers: ClinVar variation 2094468 (VCV002094468.4), dbSNP rs1488490490, ClinGen allele CA410537708.

ClinVar aggregate classification (germline): Uncertain significance (1 of 4 stars; one submission).

Allele frequency attached by ClinVar (database versions not stated): gnomAD 0.00001.

Submission:

Labcorp Genetics (formerly Invitae), Labcorp
Classification: Uncertain significance. Last evaluated: 2022-04-06. Review status: criteria provided, single submitter. Criteria: Invitae Variant Classification Sherloc (09022015). Collection method: clinical testing. Allele origin: germline.
Comment: In summary, the available evidence is currently insufficient to determine the role of this variant in disease. Therefore, it has been classified as a Variant of Uncertain Significance. Algorithms developed to predict the effect of missense changes on protein structure and function are either unavailable or do not agree on the potential impact of this missense change (SIFT: "Tolerated"; PolyPhen-2: "Probably Damaging"; Align-GVGD: "Class C0"). This variant has not been reported in the literature in individuals affected with MCM3AP-related conditions. This variant is present in population databases (no rsID available, gnomAD 0.007%). This sequence change replaces glycine, which is neutral and non-polar, with glutamic acid, which is acidic and polar, at codon 82 of the MCM3AP protein (p.Gly82Glu).